The following is an entry in ClinVar:

NM_000521.4(HEXB):c.94C>T (p.Gln32Ter)

Gene: HEXB (hexosaminidase subunit beta; plus strand). Cytogenetic location: 5q13.3.
Variant type: single nucleotide variant.
Coding change: c.94C>T on transcript NM_000521.4 (MANE Select); coding-DNA position 94, C replaced by T.
Protein change: p.Gln32Ter; replaces glutamine 32 with a stop codon.
Molecular consequence: nonsense. On other transcripts: intron variant (1).
Genome position (GRCh38, 1-based): chr5:74,685,354, C>T. VCF-style: chr5-74685354-C-T. GRCh37 (hg19) VCF-style: chr5-73981179-C-T.
Other names: c.-376-3974C>T (NM_001292004.2); short protein forms Q32*.
Identifiers: ClinVar variation 800874 (VCV000800874.4), dbSNP rs1554034434, ClinGen allele CA360062127.

ClinVar aggregate classification (germline): Pathogenic. Review status: criteria provided, multiple submitters, no conflicts (2 of 4 stars). 4 submissions from 4 submitters: Pathogenic (3). 1 of the submissions does not count toward it. Last evaluated 2025-09-10.

Conditions:
Sandhoff disease. Also called: GM2-GANGLIOSIDOSIS, TYPE II; HEXOSAMINIDASES A AND B DEFICIENCY; Beta-hexosaminidase-beta-subunit deficiency; GM2 gangliosidosis, type 2; Total hexosaminidase deficiency; Sandhoff-Jatzkewitz-Pilz disease. Identifiers: Orphanet 796, MedGen C0036161, MONDO:0010006, OMIM 268800.

Submissions (4):

Genomic Medicine Center of Excellence, King Faisal Specialist Hospital and Research Centre
Classification: Pathogenic for Sandhoff disease. Last evaluated: 2025-09-10. Review status: criteria provided, single submitter. Criteria: ACMG Guidelines, 2015. Collection method: clinical testing. Allele origin: germline.

Fulgent Genetics
Classification: Pathogenic for Sandhoff disease. Last evaluated: 2024-03-24. Review status: criteria provided, single submitter. Criteria: ACMG Guidelines, 2015. Collection method: clinical testing. Allele origin: germline.

Baylor Genetics
Classification: Pathogenic for Sandhoff disease. Last evaluated: 2020-07-08. Review status: criteria provided, single submitter. Criteria: ACMG Guidelines, 2015. Collection method: clinical testing. Allele origin: unknown. Affected: yes.
Comment: This variant was determined to be pathogenic according to ACMG Guidelines, 2015 [PMID:25741868].

Biochemical Molecular Genetic Laboratory, King Abdulaziz Medical City
Classification: Pathogenic for Sandhoff disease. Last evaluated: 2019-09-15. Review status: no assertion criteria provided. Collection method: clinical testing. Allele origin: germline. Affected: yes. Not counted in ClinVar's aggregate classification.